The following is an entry in ClinVar:

NM_014141.6(CNTNAP2):c.3032A>T (p.Glu1011Val)

Gene: CNTNAP2 (contactin associated protein 2; plus strand). Cytogenetic location: 7q36.1.
Variant type: single nucleotide variant.
Coding change: c.3032A>T on transcript NM_014141.6 (MANE Select); coding-DNA position 3032, A replaced by T.
Protein change: p.Glu1011Val; replaces glutamic acid 1011 with valine.
Molecular consequence: missense variant.
Genome position (GRCh38, 1-based): chr7:148,217,309, A>T. VCF-style: chr7-148217309-A-T. GRCh37 (hg19) VCF-style: chr7-147914401-A-T.
Other names: short protein forms E1011V.
Identifiers: ClinVar variation 421509 (VCV000421509.3), dbSNP rs1064795182, ClinGen allele CA16618386.

ClinVar aggregate classification (germline): Uncertain significance (1 of 4 stars; one submission).

Submission:

GeneDx
Classification: Uncertain significance. Last evaluated: 2019-11-11. Review status: criteria provided, single submitter. Criteria: GeneDx Variant Classification Process June 2021. Collection method: clinical testing. Allele origin: germline. Affected: yes.
Comment: Not observed in large population cohorts (Lek et al., 2016); In silico analysis, which includes protein predictors and evolutionary conservation, supports that this variant does not alter protein structure/function; Has not been previously published as pathogenic or benign to our knowledge